The following is an entry in ClinVar:

NM_000466.3(PEX1):c.1060T>C (p.Ser354Pro)

Gene: PEX1 (peroxisomal biogenesis factor 1; minus strand). Cytogenetic location: 7q21.2.
Variant type: single nucleotide variant.
Coding change: c.1060T>C on transcript NM_000466.3 (MANE Select); coding-DNA position 1060, T replaced by C.
Protein change: p.Ser354Pro; replaces serine 354 with proline.
Molecular consequence: missense variant.
Genome position (GRCh38, 1-based): chr7:92,517,455, A>G on the plus strand (T>C on the coding strand, the complement: PEX1 is on the minus strand). VCF-style: chr7-92517455-A-G. GRCh37 (hg19) VCF-style: chr7-92146769-A-G.
Other names: c.1060T>C, p.Ser354Pro (NM_001282677.2); c.436T>C, p.Ser146Pro (NM_001282678.2); short protein forms S146P, S354P.
Identifiers: ClinVar variation 1926392 (VCV001926392.2), dbSNP rs1422336690, ClinGen allele CA368198342.

ClinVar aggregate classification (germline): Uncertain significance (1 of 4 stars; one submission).

Conditions:
Zellweger spectrum disorders (ZS). Also called: Zellweger Spectrum Disorder; Zellweger Spectrum; Zellweger syndrome; Zellweger Spectrum Disorder (ZSD). Identifiers: Orphanet 912, MedGen C0043459, MONDO:0019609.

Allele frequency attached by ClinVar (database versions not stated): gnomAD exomes below 0.00001.
gnomAD v4.1: 2 of 1,613,816 alleles (0.00012%); highest among the groups gnomAD compares: Non-Finnish European, 0.00017%; no homozygotes.

Submission:

Labcorp Genetics (formerly Invitae), Labcorp
Classification: Uncertain significance for Zellweger spectrum disorders. Last evaluated: 2022-08-14. Review status: criteria provided, single submitter. Criteria: Invitae Variant Classification Sherloc (09022015). Collection method: clinical testing. Allele origin: germline.
Comment: This sequence change replaces serine, which is neutral and polar, with proline, which is neutral and non-polar, at codon 354 of the PEX1 protein (p.Ser354Pro). This variant is not present in population databases (gnomAD no frequency). This variant has not been reported in the literature in individuals affected with PEX1-related conditions. Advanced modeling of protein sequence and biophysical properties (such as structural, functional, and spatial information, amino acid conservation, physicochemical variation, residue mobility, and thermodynamic stability) performed at Invitae indicates that this missense variant is not expected to disrupt PEX1 protein function. In summary, the available evidence is currently insufficient to determine the role of this variant in disease. Therefore, it has been classified as a Variant of Uncertain Significance.